The following is an entry in ClinVar:

ClinVar aggregate classification (germline): Uncertain significance (1 of 4 stars; one submission).

Allele frequency attached by ClinVar (database versions not stated): gnomAD exomes below 0.00001.
gnomAD v4.1: 1 of 1,614,134 alleles (0.000062%); highest among the groups gnomAD compares: Non-Finnish European, 0.000085%; no homozygotes.

Submission:

GeneDx
Classification: Uncertain significance. Last evaluated: 2017-09-13. Review status: criteria provided, single submitter. Criteria: GeneDx Variant Classification (06012015). Collection method: clinical testing. Allele origin: germline. Affected: yes.
Comment: The V212G variant has not been published as a pathogenic variant, nor has it been reported as a benign variant to our knowledge. The V212G variant is not observed in large population cohorts (Lek et al., 2016; 1000 Genomes Consortium et al., 2015; Exome Variant Server). The V212G variant is a conservative amino acid substitution, which is not likely to impact secondary protein structure as these residues share similar properties. This substitution occurs at a position that is conserved across species. In silico analysis predicts this variant is probably damaging to the protein structure/function. In summary, based on the currently available information, it is unclear whether this variant is a pathogenic variant or a rare benign variant.

NM_145199.3(LIPT1):c.635T>G (p.Val212Gly)

Genes: LIPT1 (lipoyltransferase 1; plus strand), MITD1 (microtubule interacting and trafficking domain containing 1; minus strand). Cytogenetic location: 2q11.2.
Variant type: single nucleotide variant.
Coding change: c.635T>G on transcript NM_145199.3 (MANE Select); coding-DNA position 635, T replaced by G.
Protein change: p.Val212Gly; replaces valine 212 with glycine.
Molecular consequence: missense variant. On other transcripts: non-coding transcript variant (2).
Genome position (GRCh38, 1-based): chr2:99,162,592, T>G. VCF-style: chr2-99162592-T-G. GRCh37 (hg19) VCF-style: chr2-99779055-T-G.
Other names: c.635T>G, p.Val212Gly (NM_001204830.2, NM_015929.4, NM_145197.3 and 1 more transcripts); short protein forms V212G.
Identifiers: ClinVar variation 451992 (VCV000451992.2), dbSNP rs1553515488, ClinGen allele CA347854348.